The following is an entry in ClinVar:

ClinVar aggregate classification (germline): Likely pathogenic (1 of 4 stars; one submission).

Conditions:
Paragangliomas with sensorineural hearing loss. Identifiers: MedGen C1868633.
Carney-Stratakis syndrome. Also called: PARAGANGLIOMA AND GASTROINTESTINAL STROMAL TUMOR. Identifiers: Orphanet 97286, MedGen C1847319, MONDO:0011740, OMIM 606864.
Pheochromocytoma. Also called: MAX-Related Hereditary Paraganglioma-Pheochromocytoma Syndrome. Identifiers: Orphanet 29072, MedGen C0031511, MONDO:0008233, OMIM 171300, HP:0002666.
Cowden syndrome 3 (CWS3). Identifiers: Orphanet 201, MedGen CN166604, MONDO:0014045.

Submission:

Labcorp Genetics (formerly Invitae), Labcorp
Classification: Likely pathogenic for Carney-Stratakis syndrome; Paragangliomas with sensorineural hearing loss; Pheochromocytoma; Cowden syndrome 3. Last evaluated: 2022-06-09. Review status: criteria provided, single submitter. Criteria: Invitae Variant Classification Sherloc (09022015). Collection method: clinical testing. Allele origin: germline.
Comment: ClinVar contains an entry for this variant (Variation ID: 573651). In summary, the currently available evidence indicates that the variant is pathogenic, but additional data are needed to prove that conclusively. Therefore, this variant has been classified as Likely Pathogenic. This variant disrupts the p.Leu139 amino acid residue in SDHD. Other variant(s) that disrupt this residue have been determined to be pathogenic (PMID: 12114404, 21348866, 25758995). This suggests that this residue is clinically significant, and that variants that disrupt this residue are likely to be disease-causing. Advanced modeling of protein sequence and biophysical properties (such as structural, functional, and spatial information, amino acid conservation, physicochemical variation, residue mobility, and thermodynamic stability) performed at Invitae indicates that this missense variant is expected to disrupt SDHD protein function. This variant has not been reported in the literature in individuals affected with SDHD-related conditions. This variant is not present in population databases (gnomAD no frequency). This sequence change replaces leucine, which is neutral and non-polar, with arginine, which is basic and polar, at codon 139 of the SDHD protein (p.Leu139Arg).

Literature cited by the submitters: PubMed 12114404; PubMed 21348866; PubMed 25758995.

NM_003002.4(SDHD):c.416T>G (p.Leu139Arg)

Gene: SDHD (succinate dehydrogenase complex subunit D; plus strand). Cytogenetic location: 11q23.1.
Variant type: single nucleotide variant.
Coding change: c.416T>G on transcript NM_003002.4 (MANE Select); coding-DNA position 416, T replaced by G.
Protein change: p.Leu139Arg; replaces leucine 139 with arginine.
Molecular consequence: missense variant. On other transcripts: 3 prime UTR variant (2), non-coding transcript variant (1).
Genome position (GRCh38, 1-based): chr11:112,094,906, T>G. VCF-style: chr11-112094906-T-G. GRCh37 (hg19) VCF-style: chr11-111965630-T-G.
Other names: c.*13T>G (NM_001276503.2); c.299T>G, p.Leu100Arg (NM_001276504.2); c.*114T>G (NM_001276506.2); short protein forms L139R, L100R.
Identifiers: ClinVar variation 573651 (VCV000573651.6), dbSNP rs80338847, ClinGen allele CA382619304.